The following is an entry in ClinVar:

ClinVar aggregate classification (germline): Uncertain significance (1 of 4 stars; one submission).

Submission:

Women's Health and Genetics/Laboratory Corporation of America, LabCorp
Classification: Uncertain significance. Last evaluated: 2025-04-08. Review status: criteria provided, single submitter. Criteria: LabCorp Variant Classification Summary - May 2015. Collection method: clinical testing. Allele origin: germline.
Comment: Variant summary: POLG c.2797A>G (p.Ser933Gly) results in a non-conservative amino acid change in the encoded protein sequence. Five of five in-silico tools predict a damaging effect of the variant on protein function. The variant was absent in 250848 control chromosomes. The available data on variant occurrences in the general population are insufficient to allow any conclusion about variant significance. c.2797A>G has been reported in the literature in one individual affected with smoldering multiple myeloma (Ruiz-Heredia_2021). The report does not provide unequivocal conclusions about association of the variant with Mitochondrial DNA Depletion Syndrome - POLG Related. To our knowledge, no experimental evidence demonstrating an impact on protein function has been reported. The following publication have been ascertained in the context of this evaluation (PMID: 34202390). No submitters have cited clinical-significance assessments for this variant to ClinVar. Based on the evidence outlined above, the variant was classified as uncertain significance.

Literature cited by the submitters: PubMed 34202390.

NM_002693.3(POLG):c.2797A>G (p.Ser933Gly)

Gene: POLG (DNA polymerase gamma, catalytic subunit; minus strand). Cytogenetic location: 15q26.1.
Variant type: single nucleotide variant.
Coding change: c.2797A>G on transcript NM_002693.3 (MANE Select); coding-DNA position 2797, A replaced by G.
Protein change: p.Ser933Gly; replaces serine 933 with glycine.
Molecular consequence: missense variant.
Genome position (GRCh38, 1-based): chr15:89,320,950, T>C on the plus strand (A>G on the coding strand, the complement: POLG is on the minus strand). VCF-style: chr15-89320950-T-C. GRCh37 (hg19) VCF-style: chr15-89864181-T-C.
Other names: c.2797A>G, p.Ser933Gly (NM_001126131.2); short protein forms S933G.
Identifiers: ClinVar variation 3896411 (VCV003896411.2).
Genomic context (GRCh38, chr15:89,320,950, plus strand): 5'-GGCCGTAGTTGAAGATTTTGGCATGCTCACGGCTGATGCCCACAGTAGTGGCTGTCTTAC[T>C]GTGTAGATCAGTGCCCCTGCTCTTCCTGCCCTGCAGTGTCATCCACCCAAAGGCTGTGCA-3'
Protein context (NP_002684.1, residues 923-943): GRKSRGTDLH[Ser933Gly]KTATTVGISR